The following is an entry in ClinVar:

NM_177438.3(DICER1):c.2374C>T (p.Leu792Phe)

Gene: DICER1 (dicer 1, ribonuclease III; minus strand). Cytogenetic location: 14q32.13.
Variant type: single nucleotide variant.
Coding change: c.2374C>T on transcript NM_177438.3 (MANE Select); coding-DNA position 2374, C replaced by T.
Protein change: p.Leu792Phe; replaces leucine 792 with phenylalanine.
Molecular consequence: missense variant. On other transcripts: non-coding transcript variant (6).
Genome position (GRCh38, 1-based): chr14:95,108,386, G>A on the plus strand (C>T on the coding strand, the complement: DICER1 is on the minus strand). VCF-style: chr14-95108386-G-A. GRCh37 (hg19) VCF-style: chr14-95574723-G-A.
Other names: c.1969C>T, p.Leu657Phe (NM_001395688.1, NM_001395689.1, NM_001395690.1 and 2 more transcripts); c.1807C>T, p.Leu603Phe (NM_001395691.1); c.2374C>T, p.Leu792Phe (NM_001395692.1, NM_001395693.1, NM_001395694.1 and 12 more transcripts); c.691C>T, p.Leu231Phe (NM_001395697.1); c.2092C>T, p.Leu698Phe (NM_001395686.1); short protein forms L603F, L657F, L698F, L231F, L792F.
Identifiers: ClinVar variation 5035234 (VCV005035234.1).

ClinVar aggregate classification (germline): Uncertain significance (1 of 4 stars; one submission).

Conditions:
Hereditary cancer-predisposing syndrome. Also called: Hereditary Cancer Syndrome; Neoplastic Syndromes, Hereditary; Tumor predisposition; Hereditary neoplastic syndrome. Identifiers: Orphanet 140162, MedGen C0027672, MeSH D009386, MONDO:0015356.

gnomAD v4.1: 1 of 1,614,042 alleles (0.000062%); highest among the groups gnomAD compares: Non-Finnish European, 0.000085%; no homozygotes.

Submission:

Ambry Genetics
Classification: Uncertain significance for Hereditary cancer-predisposing syndrome. Last evaluated: 2026-06-24. Review status: criteria provided, single submitter. Criteria: Ambry Variant Classification Scheme 2023. Collection method: clinical testing. Allele origin: germline.
Comment: The p.L792F variant (also known as c.2374C>T), located in coding exon 14 of the DICER1 gene, results from a C to T substitution at nucleotide position 2374. The leucine at codon 792 is replaced by phenylalanine, an amino acid with highly similar properties. This amino acid position is conserved. In addition, the in silico prediction for this alteration is inconclusive. Based on the available evidence, the clinical significance of this variant remains unclear.